The following is an entry in ClinVar:

NM_006231.4(POLE):c.757T>C (p.Phe253Leu)

Gene: POLE (DNA polymerase epsilon, catalytic subunit; minus strand). Cytogenetic location: 12q24.33.
Variant type: single nucleotide variant.
Coding change: c.757T>C on transcript NM_006231.4 (MANE Select); coding-DNA position 757, T replaced by C.
Protein change: p.Phe253Leu; replaces phenylalanine 253 with leucine.
Molecular consequence: missense variant.
Genome position (GRCh38, 1-based): chr12:132,677,407, A>G on the plus strand (T>C on the coding strand, the complement: POLE is on the minus strand). VCF-style: chr12-132677407-A-G. GRCh37 (hg19) VCF-style: chr12-133253993-A-G.
Other names: c.757T>C (NM_006231.2); short protein forms F253L.
Identifiers: ClinVar variation 1016902 (VCV001016902.10), dbSNP rs2043078684, ClinGen allele CA387364487.

ClinVar aggregate classification (germline): Uncertain significance. Review status: criteria provided, multiple submitters, no conflicts (2 of 4 stars). 3 submissions from 3 submitters: Uncertain significance (3). Last evaluated 2025-12-31.

Conditions:
Hereditary cancer-predisposing syndrome. Also called: Hereditary Cancer Syndrome; Neoplastic Syndromes, Hereditary; Tumor predisposition; Hereditary neoplastic syndrome. Identifiers: Orphanet 140162, MedGen C0027672, MeSH D009386, MONDO:0015356.

Allele frequency attached by ClinVar (database versions not stated): gnomAD exomes below 0.00001.
gnomAD v4.1: 3 of 1,614,166 alleles (0.00019%); highest among the groups gnomAD compares: Non-Finnish European, 0.000085%; no homozygotes.

Submissions (3):

Ambry Genetics
Classification: Uncertain significance for Hereditary cancer-predisposing syndrome. Last evaluated: 2025-12-31. Review status: criteria provided, single submitter. Criteria: Ambry Variant Classification Scheme 2023. Collection method: clinical testing. Allele origin: germline.

Labcorp Genetics (formerly Invitae), Labcorp
Classification: Uncertain significance. Last evaluated: 2024-04-28. Review status: criteria provided, single submitter. Criteria: Invitae Variant Classification Sherloc (09022015). Collection method: clinical testing. Allele origin: germline.
Comment: This sequence change replaces phenylalanine, which is neutral and non-polar, with leucine, which is neutral and non-polar, at codon 253 of the POLE protein (p.Phe253Leu). This variant is not present in population databases (gnomAD no frequency). This variant has not been reported in the literature in individuals affected with POLE-related conditions. ClinVar contains an entry for this variant (Variation ID: 1016902). Algorithms developed to predict the effect of missense changes on protein structure and function output the following: SIFT: "Not Available"; PolyPhen-2: "Benign"; Align-GVGD: "Not Available". The leucine amino acid residue is found in multiple mammalian species, which suggests that this missense change does not adversely affect protein function. In summary, the available evidence is currently insufficient to determine the role of this variant in disease. Therefore, it has been classified as a Variant of Uncertain Significance.

GeneDx
Classification: Uncertain significance. Last evaluated: 2023-02-15. Review status: criteria provided, single submitter. Criteria: GeneDx Variant Classification Process June 2021. Collection method: clinical testing. Allele origin: germline. Affected: yes.
Comment: Not observed at significant frequency in large population cohorts (gnomAD); In silico analysis supports that this missense variant does not alter protein structure/function; Has not been previously published as pathogenic or benign to our knowledge